The following is an entry in ClinVar:

ClinVar aggregate classification (germline): Likely benign. Review status: criteria provided, multiple submitters, no conflicts (2 of 4 stars). 5 submissions from 5 submitters: Likely benign (5). Last evaluated 2026-07-01.

Conditions:
Familial thoracic aortic aneurysm and aortic dissection (TAAD). Also called: Thoracic aortic aneurysms and dissections. Identifiers: Orphanet 91387, MedGen C4707243, MONDO:0019625.
Aortic aneurysm, familial thoracic 4 (AAT4). Also called: AORTIC ANEURYSM/AORTIC DISSECTION AND PATENT DUCTUS ARTERIOSUS. Identifiers: MedGen C1851504, MONDO:0007568, OMIM 132900.

Allele frequency attached by ClinVar (database versions not stated): ExAC 0.00001; gnomAD exomes 0.00001; TOPMed 0.00001; gnomAD 0.00003.
gnomAD v4.1: 16 of 1,613,338 alleles (0.00099%); highest among the groups gnomAD compares: Middle Eastern, 0.05%; no homozygotes.

Submissions (5):

CeGaT Center for Human Genetics Tuebingen
Classification: Likely benign. Last evaluated: 2026-07-01. Review status: criteria provided, single submitter. Criteria: CeGaT Center For Human Genetics Tuebingen Variant Classification Criteria Version 2. Collection method: clinical testing. Allele origin: germline. Affected: yes. Observed: 1 variant allele.
Comment: MYH11: BP4, BP7

Labcorp Genetics (formerly Invitae), Labcorp
Classification: Likely benign for Aortic aneurysm, familial thoracic 4. Last evaluated: 2025-04-04. Review status: criteria provided, single submitter. Criteria: Invitae Variant Classification Sherloc (09022015). Collection method: clinical testing. Allele origin: germline.

All of Us Research Program, National Institutes of Health
Classification: Likely benign for Familial thoracic aortic aneurysm and aortic dissection. Last evaluated: 2023-12-13. Review status: criteria provided, single submitter. Criteria: ACMG Guidelines, 2015. Collection method: clinical testing. Allele origin: germline. Inheritance: Autosomal dominant inheritance. Observed: 5 variant alleles, 5 heterozygotes.
Comment: This study involves interpretation of variants in research participants for the purpose of population health screening. Participant phenotype was not available at the time of variant classification. Additional details can be found in publication PMID: 35346344, PMCID: PMC8962531

Ambry Genetics
Classification: Likely benign for Familial thoracic aortic aneurysm and aortic dissection. Last evaluated: 2023-05-15. Review status: criteria provided, single submitter. Criteria: Ambry Variant Classification Scheme 2023. Collection method: clinical testing. Allele origin: germline.

Color Diagnostics, LLC DBA Color Health
Classification: Likely benign for Familial thoracic aortic aneurysm and aortic dissection. Last evaluated: 2019-09-27. Review status: criteria provided, single submitter. Criteria: ACMG Guidelines, 2015. Collection method: clinical testing. Allele origin: germline.

NM_002474.3(MYH11):c.1905G>A (p.Thr635=)

Gene: MYH11 (myosin heavy chain 11; minus strand). Cytogenetic location: 16p13.11.
Variant type: single nucleotide variant.
Coding change: c.1905G>A on transcript NM_002474.3 (MANE Select); coding-DNA position 1905, G replaced by A.
Protein change: p.Thr635=; no amino-acid change (threonine 635 retained).
Molecular consequence: synonymous variant.
Genome position (GRCh38, 1-based): chr16:15,750,291, C>T on the plus strand (G>A on the coding strand, the complement: MYH11 is on the minus strand). VCF-style: chr16-15750291-C-T. GRCh37 (hg19) VCF-style: chr16-15844148-C-T.
Other names: c.1926G>A, p.Thr642= (NM_001040113.2, NM_001040114.2); c.1905G>A, p.Thr635= (NM_022844.3); c.1905G>A (NM_002474.2).
Identifiers: ClinVar variation 743986 (VCV000743986.15), dbSNP rs779037921, ClinGen allele CA7922469.